The following is an entry in ClinVar:

ClinVar aggregate classification (germline): Uncertain significance. Review status: criteria provided, multiple submitters, no conflicts (2 of 4 stars). 2 submissions from 2 submitters: Uncertain significance (2). Last evaluated 2024-11-28.

Conditions:
X-linked myopathy with postural muscle atrophy. Also called: FHL1-Related Emery-Dreifuss Muscular Dystrophy, X-Linked. Identifiers: Orphanet 178461, MedGen C2678055, MONDO:0010401, OMIM 300696.

Allele frequency attached by ClinVar (database versions not stated): TOPMed 0.00001.

Submissions (2):

Blueprint Genetics
Classification: Uncertain significance. Last evaluated: 2024-11-28. Review status: criteria provided, single submitter. Criteria: ACMG Guidelines, 2015. Collection method: clinical testing. Allele origin: germline.

Labcorp Genetics (formerly Invitae), Labcorp
Classification: Uncertain significance for X-linked myopathy with postural muscle atrophy. Last evaluated: 2021-11-10. Review status: criteria provided, single submitter. Criteria: Invitae Variant Classification Sherloc (09022015). Collection method: clinical testing. Allele origin: germline.
Comment: In summary, the available evidence is currently insufficient to determine the role of this variant in disease. Therefore, it has been classified as a Variant of Uncertain Significance. Experimental studies and prediction algorithms are not available or were not evaluated, and the functional significance of this variant is currently unknown. This variant has not been reported in the literature in individuals affected with FHL1-related conditions. This variant is not present in population databases (gnomAD no frequency). This variant, c.340_342dup, results in the insertion of 1 amino acid(s) of the FHL1 protein (p.Asn114dup), but otherwise preserves the integrity of the reading frame.

NM_001159699.2(FHL1):c.388_390dup (p.Asn130dup)

Gene: FHL1 (four and a half LIM domains 1; plus strand). Cytogenetic location: Xq26.3.
Variant type: Duplication.
Coding change: c.388_390dup on transcript NM_001159699.2 (MANE Select); coding-DNA positions 388 to 390, 3 bases duplicated (AAC; older notation c.388_390dupAAC).
Protein change: p.Asn130dup; duplicates asparagine 130.
Molecular consequence: inframe insertion. On other transcripts: non-coding transcript variant (1).
Genome position (GRCh38, 1-based): chrX:136,207,800-136,207,802, AAC duplicated. VCF-style (leftmost placement, unchanged base first): chrX-136207799-A-AAAC. GRCh37 (hg19) VCF-style: chrX-135289958-A-AAAC.
Other names: c.340_342dup, p.Asn114dup (NM_001159700.2, NM_001159702.3, NM_001159703.2 and 9 more transcripts); c.427_429dup, p.Asn143dup (NM_001159701.2); c.388_390dup, p.Asn130dup (NM_001330659.2).
Identifiers: ClinVar variation 1408389 (VCV001408389.7), dbSNP rs2073883748, ClinGen allele CA2460259437.